The following is an entry in ClinVar:

ClinVar aggregate classification (germline): Uncertain significance. Review status: criteria provided, multiple submitters, no conflicts (2 of 4 stars). 2 submissions from 2 submitters: Uncertain significance (2). Last evaluated 2025-10-15.

Conditions:
SCAPER-related disorder. Also called: SCAPER-related condition.
Inborn genetic diseases. Identifiers: MedGen C0950123, MeSH D030342.

gnomAD v4.1: 20 of 1,591,226 alleles (0.0013%); highest among the groups gnomAD compares: African/African-American, 0.0095%; no homozygotes.

Submissions (2):

PreventionGenetics, part of Exact Sciences
Classification: Uncertain significance for SCAPER-related condition. Last evaluated: 2025-10-15. Review status: criteria provided, single submitter. Criteria: ACMG Guidelines, 2015. Collection method: clinical testing. Allele origin: germline.
Comment: The SCAPER c.775C>T variant is predicted to result in the amino acid substitution p.Arg259Trp. To our knowledge, this variant has not been reported in the literature. This variant is reported in 0.0066% of alleles in individuals of African descent in gnomAD. At this time, the clinical significance of this variant is uncertain due to the absence of conclusive functional and genetic evidence.

Ambry Genetics
Classification: Uncertain significance for Inborn genetic diseases. Last evaluated: 2025-07-03. Review status: criteria provided, single submitter. Criteria: Ambry Variant Classification Scheme 2023. Collection method: clinical testing. Allele origin: germline.

NM_020843.4(SCAPER):c.775C>T (p.Arg259Trp)

Gene: SCAPER (S-phase cyclin A associated protein in the ER; minus strand). Cytogenetic location: 15q24.3.
Variant type: single nucleotide variant.
Coding change: c.775C>T on transcript NM_020843.4 (MANE Select); coding-DNA position 775, C replaced by T.
Protein change: p.Arg259Trp; replaces arginine 259 with tryptophan.
Molecular consequence: missense variant. On other transcripts: non-coding transcript variant (1).
Genome position (GRCh38, 1-based): chr15:76,775,115, G>A on the plus strand (C>T on the coding strand, the complement: SCAPER is on the minus strand). VCF-style: chr15-76775115-G-A. GRCh37 (hg19) VCF-style: chr15-77067456-G-A.
Other names: c.37C>T, p.Arg13Trp (NM_001145923.2); c.775C>T, p.Arg259Trp (NM_001353009.2); c.373C>T, p.Arg125Trp (NM_001353010.2, NM_001353011.2, NM_001353012.2); c.775C>T (NM_020843.2); short protein forms R125W, R13W, R259W.
Identifiers: ClinVar variation 3357954 (VCV003357954.3).